The following is an entry in ClinVar:

ClinVar aggregate classification (germline): Conflicting classifications of pathogenicity. Review status: criteria provided, conflicting classifications (1 of 4 stars). 3 submissions from 3 submitters: Uncertain significance (2); Benign (1). Last evaluated 2025-03-27.

Conditions:
Inborn genetic diseases. Identifiers: MedGen C0950123, MeSH D030342.

Allele frequency attached by ClinVar (database versions not stated): gnomAD exomes below 0.00001; ExAC 0.00001; gnomAD 0.00001; TOPMed 0.00001; ESP Exome Variant Server 0.00008.
gnomAD v4.1: 5 of 1,614,038 alleles (0.00031%); highest among the groups gnomAD compares: African/African-American, 0.0027%; no homozygotes.

Submissions (3):

Labcorp Genetics (formerly Invitae), Labcorp
Classification: Benign. Last evaluated: 2025-03-27. Review status: criteria provided, single submitter. Criteria: Invitae Variant Classification Sherloc (09022015). Collection method: clinical testing. Allele origin: germline.

GeneDx
Classification: Uncertain significance. Last evaluated: 2022-07-27. Review status: criteria provided, single submitter. Criteria: GeneDx Variant Classification Process June 2021. Collection method: clinical testing. Allele origin: germline. Affected: yes.
Comment: In silico analysis supports that this missense variant does not alter protein structure/function; Has not been previously published as pathogenic or benign to our knowledge

Ambry Genetics
Classification: Uncertain significance for Inborn genetic diseases. Last evaluated: 2018-07-20. Review status: criteria provided, single submitter. Criteria: Ambry exome assertion method (8-5-2015). Collection method: clinical testing. Allele origin: germline. Affected: yes. Observed: 1 variant allele.

NM_015559.3(SETBP1):c.4034C>G (p.Thr1345Arg)

Gene: SETBP1 (SET binding protein 1; plus strand). Cytogenetic location: 18q12.3.
Variant type: single nucleotide variant.
Coding change: c.4034C>G on transcript NM_015559.3 (MANE Select); coding-DNA position 4034, C replaced by G.
Protein change: p.Thr1345Arg; replaces threonine 1345 with arginine.
Molecular consequence: missense variant.
Genome position (GRCh38, 1-based): chr18:45,038,518, C>G. VCF-style: chr18-45038518-C-G. GRCh37 (hg19) VCF-style: chr18-42618483-C-G.
Other names: c.4034C>G, p.Thr1345Arg (NM_001379141.1, NM_001379142.1); short protein forms T1345R.
Identifiers: ClinVar variation 985888 (VCV000985888.9), dbSNP rs148195272, ClinGen allele CA8946066.
Genomic context (GRCh38, chr18:45,038,518, plus strand): 5'-GAAAGCTTTGGGGTTGTTATTTTTTAGGGATGCCAAGTCCCCACTTAAAAGTGGACCAGA[C>G]AGCAGTGCATAGTAAGAACGAAGGCTCAGTGCCCACCATGATGACCAGGAAGAAGCCAGC-3'
Protein context (NP_056374.2, residues 1335-1355): MPSPHLKVDQ[Thr1345Arg]AVHSKNEGSV